The following is an entry in ClinVar:

NM_031308.4(EPPK1):c.3779C>T (p.Ala1260Val)

Gene: EPPK1 (epiplakin 1; minus strand). Cytogenetic location: 8q24.3.
Variant type: single nucleotide variant.
Coding change: c.3779C>T on transcript NM_031308.4 (MANE Select); coding-DNA position 3779, C replaced by T.
Protein change: p.Ala1260Val; replaces alanine 1260 with valine.
Molecular consequence: missense variant.
Genome position (GRCh38, 1-based): chr8:143,869,475, G>A on the plus strand (C>T on the coding strand, the complement: EPPK1 is on the minus strand). VCF-style: chr8-143869475-G-A. GRCh37 (hg19) VCF-style: chr8-144943643-G-A.
Other names: short protein forms A1260V.
Identifiers: ClinVar variation 3034604 (VCV003034604.2), dbSNP rs116243555, ClinGen allele CA4922687.

ClinVar aggregate classification (germline): Benign (0 of 4 stars; one submission).

Conditions:
EPPK1-related disorder. Also called: EPPK1-related condition.

Allele frequency attached by ClinVar (database versions not stated): gnomAD exomes 0.00125; ExAC 0.00386; 1000 Genomes Project 0.01038; ESP Exome Variant Server 0.01039; gnomAD 0.01073; 1000 Genomes Project 30x 0.01140; TOPMed 0.01273.
gnomAD v4.1: 3,481 of 1,551,682 alleles (0.22%); highest among the groups gnomAD compares: African/African-American, 3.3%; 43 homozygotes.

Submission:

PreventionGenetics, part of Exact Sciences
Classification: Benign for EPPK1-related condition. Last evaluated: 2021-05-03. Review status: no assertion criteria provided. Collection method: clinical testing. Allele origin: germline.
Comment: This variant is classified as benign based on ACMG/AMP sequence variant interpretation guidelines (Richards et al. 2015 PMID: 25741868, with internal and published modifications).